The following is an entry in ClinVar:

ClinVar aggregate classification (germline): Uncertain significance (1 of 4 stars; one submission).

Conditions:
Inborn genetic diseases. Identifiers: MedGen C0950123, MeSH D030342.

Submission:

Ambry Genetics
Classification: Uncertain significance for Inborn genetic diseases. Last evaluated: 2025-04-04. Review status: criteria provided, single submitter. Criteria: Ambry Variant Classification Scheme 2023. Collection method: clinical testing. Allele origin: germline.
Comment: The p.S466N variant (also known as c.1397G>A), located in coding exon 8 of the ERCC6L2 gene, results from a G to A substitution at nucleotide position 1397. The serine at codon 466 is replaced by asparagine, an amino acid with highly similar properties. This amino acid position is conserved. In addition, this alteration is predicted to be tolerated by in silico analysis. Based on the available evidence, the clinical significance of this variant remains unclear.

NM_020207.7(ERCC6L2):c.1397G>A (p.Ser466Asn)

Gene: ERCC6L2 (ERCC excision repair 6 like 2; plus strand). Cytogenetic location: 9q22.32.
Variant type: single nucleotide variant.
Coding change: c.1397G>A on transcript NM_020207.7 (MANE Select); coding-DNA position 1397, G replaced by A.
Protein change: p.Ser466Asn; replaces serine 466 with asparagine.
Molecular consequence: missense variant. On other transcripts: non-coding transcript variant (1).
Genome position (GRCh38, 1-based): chr9:95,922,402, G>A. VCF-style: chr9-95922402-G-A. GRCh37 (hg19) VCF-style: chr9-98684684-G-A.
Other names: c.1397G>A, p.Ser466Asn (NM_001010895.4, NM_001375291.1, NM_001375292.1 and 2 more transcripts); short protein forms S466N.
Identifiers: ClinVar variation 4019289 (VCV004019289.1).